The following is an entry in ClinVar:

ClinVar aggregate classification (germline): Uncertain significance. Review status: criteria provided, multiple submitters, no conflicts (2 of 4 stars). 2 submissions from 2 submitters: Uncertain significance (2). Last evaluated 2021-08-13.

Conditions:
Muscular dystrophy-dystroglycanopathy (congenital with brain and eye anomalies), type A14. Also called: WALKER-WARBURG SYNDROME OR MUSCLE-EYE-BRAIN DISEASE, GMPPB-RELATED; Muscular dystrophy-dystroglycanopathy (congenital with brain and eye anomalies), type a, 14; Congenital Muscular Dystrophy-Dystroglycanopathy with Brain and Eye Anomalies Type A 14; Congenital muscular dystrophy-dystroglycanopathy with brain and eye anomalies, type A14. Identifiers: Orphanet 588, MedGen C3809216, MONDO:0014140, OMIM 615350.
Muscular dystrophy-dystroglycanopathy (congenital with impaired intellectual development), type B, 14. Also called: MUSCULAR DYSTROPHY, CONGENITAL, GMPPB-RELATED; Muscular dystrophy-dystroglycanopathy (congenital with intellectual disability), type B14; Congenital muscular dystrophy-dystroglycanopathy with mental retardation, type B14. Identifiers: MedGen C3809221, MONDO:0014141, OMIM 615351.
Autosomal recessive limb-girdle muscular dystrophy type 2T. Also called: MUSCULAR DYSTROPHY-DYSTROGLYCANOPATHY, LIMB-GIRDLE, GMPPB-RELATED; MUSCULAR DYSTROPHY, LIMB-GIRDLE, TYPE 2T; Muscular dystrophy-dystroglycanopathy (limb-girdle), type c, 14; Limb-girdle muscular dystrophy-dystroglycanopathy, type C14. Identifiers: Orphanet 363623, MedGen C4518000, MONDO:0014142, OMIM 615352.

Allele frequency attached by ClinVar (database versions not stated): ExAC 0.00004; gnomAD 0.00006 and 0.00007; gnomAD exomes 0.00003 and 0.00002; TOPMed 0.00004; 1000 Genomes Project 0.00020; ESP Exome Variant Server 0.00008; 1000 Genomes Project 30x 0.00031.

Submissions (2):

Labcorp Genetics (formerly Invitae), Labcorp
Classification: Uncertain significance for Autosomal recessive limb-girdle muscular dystrophy type 2T; Muscular dystrophy-dystroglycanopathy (congenital with brain and eye anomalies), type A14; Muscular dystrophy-dystroglycanopathy (congenital with impaired intellectual development), type B, 14. Last evaluated: 2021-08-13. Review status: criteria provided, single submitter. Criteria: Invitae Variant Classification Sherloc (09022015). Collection method: clinical testing. Allele origin: germline.
Comment: This sequence change replaces threonine with methionine at codon 290 of the GMPPB protein (p.Thr290Met). The threonine residue is highly conserved and there is a moderate physicochemical difference between threonine and methionine. This variant is present in population databases (rs139668958, ExAC 0.02%). This variant has not been reported in the literature in individuals affected with GMPPB-related conditions. Algorithms developed to predict the effect of missense changes on protein structure and function are either unavailable or do not agree on the potential impact of this missense change (SIFT: "Deleterious"; PolyPhen-2: "Probably Damaging"; Align-GVGD: "Class C0"). In summary, the available evidence is currently insufficient to determine the role of this variant in disease. Therefore, it has been classified as a Variant of Uncertain Significance.

GeneDx
Classification: Uncertain significance. Last evaluated: 2020-07-30. Review status: criteria provided, single submitter. Criteria: GeneDx Variant Classification Process June 2021. Collection method: clinical testing. Allele origin: germline. Affected: yes.
Comment: Not observed at a significant frequency in large population cohorts (Lek et al., 2016); In silico analysis, which includes protein predictors and evolutionary conservation, supports a deleterious effect; Has not been previously published as pathogenic or benign to our knowledge; Missense variants in nearby residues reported in the Human Gene Mutation Database (Stenson et al., 2014)

NM_021971.4(GMPPB):c.869C>T (p.Thr290Met)

Gene: GMPPB (GDP-mannose pyrophosphorylase B; minus strand). Cytogenetic location: 3p21.31.
Variant type: single nucleotide variant.
Coding change: c.869C>T on transcript NM_021971.4 (MANE Select); coding-DNA position 869, C replaced by T.
Protein change: p.Thr290Met; replaces threonine 290 with methionine.
Molecular consequence: missense variant.
Genome position (GRCh38, 1-based): chr3:49,722,047, G>A on the plus strand (C>T on the coding strand, the complement: GMPPB is on the minus strand). VCF-style: chr3-49722047-G-A. GRCh37 (hg19) VCF-style: chr3-49759480-G-A.
Other names: c.869C>T, p.Thr290Met (NM_013334.4); short protein forms T290M.
Identifiers: ClinVar variation 1010126 (VCV001010126.5), dbSNP rs139668958, ClinGen allele CA2405421.
Genomic context (GRCh38, chr3:49,722,047, plus strand): 5'-CAGCCCACAATGCAGGACTCAAGCCAGGAATGGGAACGGATCCGGGCATCCCGCAGCACC[G>A]TGCACCGCCGGATACACACACCATCTTCGACCACCACGCCAGGTCCCAGGCTCACATTGG-3'
Protein context (NP_068806.2, residues 280-300): VEDGVCIRRC[Thr290Met]VLRDARIRSH